The following is an entry in ClinVar:

NM_002334.4(LRP4):c.322C>T (p.Arg108Trp)

Gene: LRP4 (LDL receptor related protein 4; minus strand). Cytogenetic location: 11p11.2.
Variant type: single nucleotide variant.
Coding change: c.322C>T on transcript NM_002334.4 (MANE Select); coding-DNA position 322, C replaced by T.
Protein change: p.Arg108Trp; replaces arginine 108 with tryptophan.
Molecular consequence: missense variant.
Genome position (GRCh38, 1-based): chr11:46,899,971, G>A on the plus strand (C>T on the coding strand, the complement: LRP4 is on the minus strand). VCF-style: chr11-46899971-G-A. GRCh37 (hg19) VCF-style: chr11-46921522-G-A.
Other names: short protein forms R108W.
Identifiers: ClinVar variation 948743 (VCV000948743.10), dbSNP rs775191643, ClinGen allele CA5970532.

ClinVar aggregate classification (germline): Uncertain significance. Review status: criteria provided, multiple submitters, no conflicts (2 of 4 stars). 2 submissions from 2 submitters: Uncertain significance (2). Last evaluated 2026-02-27.

Conditions:
Sclerosteosis 2 (SOST2). Identifiers: Orphanet 3152, MedGen C3280402, MONDO:0013679, OMIM 614305.
Congenital myasthenic syndrome 17. Identifiers: Orphanet 590, MedGen C4225377, MONDO:0014578, OMIM 616304.
Cenani-Lenz syndactyly syndrome. Also called: CENANI SYNDACTYLISM; SYNDACTYLY, TYPE VII. Identifiers: Orphanet 3258, MedGen C1859309, MONDO:0008931, OMIM 212780.
Inborn genetic diseases. Identifiers: MedGen C0950123, MeSH D030342.

Allele frequency attached by ClinVar (database versions not stated): gnomAD 0.00001; TOPMed 0.00001; ExAC 0.00002.
gnomAD v4.1: 15 of 1,610,070 alleles (0.00093%); highest among the groups gnomAD compares: Admixed American, 0.0033%; no homozygotes.

Submissions (2):

Ambry Genetics
Classification: Uncertain significance for Inborn genetic diseases. Last evaluated: 2026-02-27. Review status: criteria provided, single submitter. Criteria: Ambry Variant Classification Scheme 2023. Collection method: clinical testing. Allele origin: germline.

Labcorp Genetics (formerly Invitae), Labcorp
Classification: Uncertain significance for Cenani-Lenz syndactyly syndrome; Sclerosteosis 2; Congenital myasthenic syndrome 17. Last evaluated: 2020-02-15. Review status: criteria provided, single submitter. Criteria: Invitae Variant Classification Sherloc (09022015). Collection method: clinical testing. Allele origin: germline.
Comment: This sequence change replaces arginine with tryptophan at codon 108 of the LRP4 protein (p.Arg108Trp). The arginine residue is highly conserved and there is a moderate physicochemical difference between arginine and tryptophan. This variant is present in population databases (rs775191643, ExAC 0.003%). This variant has not been reported in the literature in individuals with LRP4-related conditions. Algorithms developed to predict the effect of missense changes on protein structure and function are either unavailable or do not agree on the potential impact of this missense change (SIFT: "Deleterious"; PolyPhen-2: "Probably Damaging"; Align-GVGD: "Class C0"). In summary, the available evidence is currently insufficient to determine the role of this variant in disease. Therefore, it has been classified as a Variant of Uncertain Significance.